The following is an entry in ClinVar:

NM_004273.5(CHST3):c.371C>G (p.Pro124Arg)

Gene: CHST3 (carbohydrate sulfotransferase 3; plus strand). Cytogenetic location: 10q22.1.
Variant type: single nucleotide variant.
Coding change: c.371C>G on transcript NM_004273.5 (MANE Select); coding-DNA position 371, C replaced by G.
Protein change: p.Pro124Arg; replaces proline 124 with arginine.
Molecular consequence: missense variant.
Genome position (GRCh38, 1-based): chr10:72,007,402, C>G. VCF-style: chr10-72007402-C-G. GRCh37 (hg19) VCF-style: chr10-73767160-C-G.
Other names: c.371C>G, p.Pro124Arg (NM_001441201.1, NM_001441202.1); short protein forms P124R.
Identifiers: ClinVar variation 4991955 (VCV004991955.1).
Genomic context (GRCh38, chr10:72,007,402, plus strand): 5'-AGCCAGCCATGGAGGCCGCAGGGGAGGAAGAGGAAGAGCAGAGAAAGGAGGAGGAGCCGC[C>G]CAGACCGGCCGTGGCGGGGCCCCGGCGCCACGTGCTGCTCATGGCCACCACGCGCACCGG-3'
Protein context (NP_004264.2, residues 114-134): EEEQRKEEEP[Pro124Arg]RPAVAGPRRH

ClinVar aggregate classification (germline): Uncertain significance (1 of 4 stars; one submission).

Conditions:
CHST3-related disorder. Also called: CHST3-related condition.

Submission:

PreventionGenetics, part of Exact Sciences
Classification: Uncertain significance for CHST3-related condition. Last evaluated: 2025-12-05. Review status: criteria provided, single submitter. Criteria: ACMG Guidelines, 2015. Collection method: clinical testing. Allele origin: germline.
Comment: The CHST3 c.371C>G variant is predicted to result in the amino acid substitution p.Pro124Arg. To our knowledge, this variant has not been reported in the literature or in a large population database (gnomAD), indicating this variant is rare. At this time, the clinical significance of this variant is uncertain due to the absence of conclusive functional and genetic evidence.